The following is an entry in ClinVar:

NM_000553.6(WRN):c.3819+5G>A

Gene: WRN (WRN RecQ like helicase; plus strand). Cytogenetic location: 8p12.
Variant type: single nucleotide variant.
Coding change: c.3819+5G>A on transcript NM_000553.6 (MANE Select); 5 bases into the intron after coding-DNA position 3819, G replaced by A.
Molecular consequence: intron variant.
Genome position (GRCh38, 1-based): chr8:31,154,760, G>A. VCF-style: chr8-31154760-G-A. GRCh37 (hg19) VCF-style: chr8-31012276-G-A.
Identifiers: ClinVar variation 1041892 (VCV001041892.5), dbSNP rs770289356, ClinGen allele CA2499219273.

ClinVar aggregate classification (germline): Uncertain significance (1 of 4 stars; one submission).

Conditions:
Werner syndrome (WRN). Identifiers: Orphanet 902, MedGen C0043119, MONDO:0010196, OMIM 277700.

Submission:

Labcorp Genetics (formerly Invitae), Labcorp
Classification: Uncertain significance for Werner syndrome. Last evaluated: 2022-07-19. Review status: criteria provided, single submitter. Criteria: Invitae Variant Classification Sherloc (09022015). Collection method: clinical testing. Allele origin: germline.
Comment: In summary, the available evidence is currently insufficient to determine the role of this variant in disease. Therefore, it has been classified as a Variant of Uncertain Significance. Variants that disrupt the consensus splice site are a relatively common cause of aberrant splicing (PMID: 17576681, 9536098). Algorithms developed to predict the effect of sequence changes on RNA splicing suggest that this variant may disrupt the consensus splice site. ClinVar contains an entry for this variant (Variation ID: 1041892). This variant has not been reported in the literature in individuals affected with WRN-related conditions. This variant is not present in population databases (gnomAD no frequency). This sequence change falls in intron 32 of the WRN gene. It does not directly change the encoded amino acid sequence of the WRN protein. It affects a nucleotide within the consensus splice site.

Literature cited by the submitters: PubMed 17576681; PubMed 9536098.